The following is an entry in ClinVar:

NM_001042492.3(NF1):c.1744T>C (p.Cys582Arg)

Gene: NF1 (neurofibromin 1; plus strand). Cytogenetic location: 17q11.2.
Variant type: single nucleotide variant.
Coding change: c.1744T>C on transcript NM_001042492.3 (MANE Select); coding-DNA position 1744, T replaced by C.
Protein change: p.Cys582Arg; replaces cysteine 582 with arginine.
Molecular consequence: missense variant.
Genome position (GRCh38, 1-based): chr17:31,223,466, T>C. VCF-style: chr17-31223466-T-C. GRCh37 (hg19) VCF-style: chr17-29550484-T-C.
Other names: c.1744T>C, p.Cys582Arg (NM_000267.4); short protein forms C582R.
Identifiers: ClinVar variation 1040545 (VCV001040545.1), dbSNP rs1597708661, ClinGen allele CA399004077.

ClinVar aggregate classification (germline): Uncertain significance (1 of 4 stars; one submission).

Conditions:
Neurofibromatosis, type 1 (NF1). Also called: VON RECKLINGHAUSEN DISEASE; NEUROFIBROMATOSIS, TYPE I, SOMATIC; Peripheral type neurofibromatosis; Neurofibromatosis, type I. Identifiers: Orphanet 636, MedGen C0027831, MONDO:0018975, OMIM 162200. Disease mechanism: loss of function.

Submission:

Labcorp Genetics (formerly Invitae), Labcorp
Classification: Uncertain significance for Neurofibromatosis, type 1. Last evaluated: 2020-08-25. Review status: criteria provided, single submitter. Criteria: Invitae Variant Classification Sherloc (09022015). Collection method: clinical testing. Allele origin: germline.
Comment: This sequence change replaces cysteine with arginine at codon 582 of the NF1 protein (p.Cys582Arg). The cysteine residue is moderately conserved and there is a large physicochemical difference between cysteine and arginine. This variant is not present in population databases (ExAC no frequency). This variant has not been reported in the literature in individuals with NF1-related conditions. Advanced modeling of protein sequence and biophysical properties (such as structural, functional, and spatial information, amino acid conservation, physicochemical variation, residue mobility, and thermodynamic stability) performed at Invitae indicates that this missense variant is expected to disrupt NF1 protein function. In summary, the available evidence is currently insufficient to determine the role of this variant in disease. Therefore, it has been classified as a Variant of Uncertain Significance.